The following is an entry in ClinVar:

ClinVar aggregate classification (germline): Conflicting classifications of pathogenicity. Review status: criteria provided, conflicting classifications (1 of 4 stars). 3 submissions from 3 submitters: Uncertain significance (2); Likely benign (1). Last evaluated 2023-07-16.

Conditions:
Hereditary cancer-predisposing syndrome. Also called: Neoplastic Syndromes, Hereditary; Tumor predisposition; Hereditary Cancer Syndrome; Hereditary neoplastic syndrome. Identifiers: Orphanet 140162, MedGen C0027672, MeSH D009386, MONDO:0015356.
Hereditary breast ovarian cancer syndrome. Also called: Hereditary breast and ovarian cancer syndrome; Hereditary breast and ovarian cancer; Breast and ovarian cancer; Hereditary breast and ovarian cancer syndrome (HBOC); Hereditary breast and/or ovarian cancer syndrome; BRCA1- and BRCA2-Associated Hereditary Breast and Ovarian Cancer. Identifiers: Orphanet 145, MedGen C0677776, MeSH D061325, MONDO:0003582. Disease mechanism: loss of function.

Submissions (3):

Labcorp Genetics (formerly Invitae), Labcorp
Classification: Uncertain significance for Hereditary breast ovarian cancer syndrome. Last evaluated: 2023-07-16. Review status: criteria provided, single submitter. Criteria: Invitae Variant Classification Sherloc (09022015). Collection method: clinical testing. Allele origin: germline.
Comment: This variant has not been reported in the literature in individuals affected with BRCA2-related conditions. In summary, the available evidence is currently insufficient to determine the role of this variant in disease. Therefore, it has been classified as a Variant of Uncertain Significance. Advanced modeling of protein sequence and biophysical properties (such as structural, functional, and spatial information, amino acid conservation, physicochemical variation, residue mobility, and thermodynamic stability) performed at Invitae indicates that this missense variant is not expected to disrupt BRCA2 protein function. ClinVar contains an entry for this variant (Variation ID: 1732170). This variant is not present in population databases (gnomAD no frequency). This sequence change replaces proline, which is neutral and non-polar, with serine, which is neutral and polar, at codon 1171 of the BRCA2 protein (p.Pro1171Ser).

University of Washington Department of Laboratory Medicine, University of Washington
Classification: Likely benign for Hereditary cancer-predisposing syndrome. Last evaluated: 2023-03-23. Review status: criteria provided, single submitter. Criteria: Dines et al. (Genet Med. 2020). Collection method: curation. Allele origin: germline.
Comment: Missense variant in a coldspot region where missense variants are very unlikely to be pathogenic (PMID:31911673).

BRCA2 exon 11 coldspot. Reclassification based on statistical prior probability.

Ambry Genetics
Classification: Uncertain significance for Hereditary cancer-predisposing syndrome. Last evaluated: 2021-12-14. Review status: criteria provided, single submitter. Criteria: Ambry Variant Classification Scheme 2023. Collection method: clinical testing. Allele origin: germline.
Comment: The p.P1171S variant (also known as c.3511C>T), located in coding exon 10 of the BRCA2 gene, results from a C to T substitution at nucleotide position 3511. The proline at codon 1171 is replaced by serine, an amino acid with similar properties. This amino acid position is not well conserved in available vertebrate species. In addition, this alteration is predicted to be tolerated by in silico analysis. Since supporting evidence is limited at this time, the clinical significance of this alteration remains unclear.

NM_000059.4(BRCA2):c.3511C>T (p.Pro1171Ser)

Gene: BRCA2 (BRCA2 DNA repair associated; plus strand). Cytogenetic location: 13q13.1.
Variant type: single nucleotide variant.
Coding change: c.3511C>T on transcript NM_000059.4 (MANE Select); coding-DNA position 3511, C replaced by T.
Protein change: p.Pro1171Ser; replaces proline 1171 with serine.
Molecular consequence: missense variant.
Genome position (GRCh38, 1-based): chr13:32,337,866, C>T. VCF-style: chr13-32337866-C-T. GRCh37 (hg19) VCF-style: chr13-32912003-C-T.
Other names: c.3511C>T, p.Pro1171Ser (NM_001406719.1, NM_001406720.1); short protein forms P1171S.
Identifiers: ClinVar variation 1732170 (VCV001732170.7), dbSNP rs2137497389, ClinGen allele CA387777005.